The following is an entry in ClinVar:

NM_001164508.2(NEB):c.18955C>T (p.Gln6319Ter)

Gene: NEB (nebulin; minus strand). Cytogenetic location: 2q23.3.
Variant type: single nucleotide variant.
Coding change: c.18955C>T on transcript NM_001164508.2 (MANE Select); coding-DNA position 18955, C replaced by T.
Protein change: p.Gln6319Ter; replaces glutamine 6319 with a stop codon.
Molecular consequence: nonsense.
Genome position (GRCh38, 1-based): chr2:151,562,151, G>A on the plus strand (C>T on the coding strand, the complement: NEB is on the minus strand). VCF-style: chr2-151562151-G-A. GRCh37 (hg19) VCF-style: chr2-152418665-G-A.
Other names: c.18955C>T, p.Gln6319Ter (NM_001164507.2, NM_001271208.2); c.13852C>T, p.Gln4618Ter (NM_004543.5); short protein forms Q6319*, Q4618*.
Identifiers: ClinVar variation 2768519 (VCV002768519.3), dbSNP rs924519892, ClinGen allele CA348796902.

ClinVar aggregate classification (germline): Pathogenic (1 of 4 stars; one submission).

Conditions:
Nemaline myopathy 2 (NEM2). Also called: Nemaline myopathy 2, autosomal recessive. Identifiers: MedGen C1850569, MONDO:0009725, OMIM 256030.

Submission:

Labcorp Genetics (formerly Invitae), Labcorp
Classification: Pathogenic for Nemaline myopathy 2. Last evaluated: 2023-10-14. Review status: criteria provided, single submitter. Criteria: Invitae Variant Classification Sherloc (09022015). Collection method: clinical testing. Allele origin: germline.
Comment: This sequence change creates a premature translational stop signal (p.Gln6319*) in the NEB gene. It is expected to result in an absent or disrupted protein product. Loss-of-function variants in NEB are known to be pathogenic (PMID: 25205138). This variant is not present in population databases (gnomAD no frequency). This variant has not been reported in the literature in individuals affected with NEB-related conditions. For these reasons, this variant has been classified as Pathogenic.

Literature cited by the submitters: PubMed 25205138.